The following is an entry in ClinVar:

NM_024675.4(PALB2):c.1765_1771del (p.Thr589fs)

Gene: PALB2 (partner and localizer of BRCA2; minus strand). Cytogenetic location: 16p12.2.
Variant type: Deletion.
Coding change: c.1765_1771del on transcript NM_024675.4 (MANE Select); coding-DNA positions 1765 to 1771, 7 bases deleted (ACGGCTC; older notation c.1765_1771delACGGCTC).
Protein change: p.Thr589fs; shifts the reading frame from threonine 589.
Molecular consequence: frameshift variant.
Genome position (GRCh38, 1-based): chr16:23,630,383-23,630,389, GAGCCGT deleted on the plus strand (ACGGCTC on the coding strand, the reverse complement: PALB2 is on the minus strand); deleting any 7 consecutive bases within chr16:23,630,383-23,630,391 gives the same sequence; the c. name uses the placement nearest the transcript's 3' end. VCF-style (leftmost placement, unchanged base first): chr16-23630382-GGAGCCGT-G. GRCh37 (hg19) VCF-style: chr16-23641703-GGAGCCGT-G.
Other names: c.1765_1771delACGGCTC (NM_024675.3); short protein forms T589fs.
Identifiers: ClinVar variation 649521 (VCV000649521.7), dbSNP rs1597091247, ClinGen allele CA915949195.

ClinVar aggregate classification (germline): Pathogenic (1 of 4 stars; one submission).

Conditions:
Familial cancer of breast. Also called: hereditary breast carcinoma; Hereditary breast cancer; BREAST CANCER, FAMILIAL. Identifiers: Orphanet 227535, MedGen C0346153, MONDO:0016419, OMIM 114480. Disease mechanism: loss of function.

Submission:

Labcorp Genetics (formerly Invitae), Labcorp
Classification: Pathogenic for Familial cancer of breast. Last evaluated: 2018-11-05. Review status: criteria provided, single submitter. Criteria: Invitae Variant Classification Sherloc (09022015). Collection method: clinical testing. Allele origin: germline.
Comment: For these reasons, this variant has been classified as Pathogenic. Loss-of-function variants in PALB2 are known to be pathogenic (PMID: 17200668, 24136930, 25099575). This variant has not been reported in the literature in individuals with PALB2-related disease. This variant is not present in population databases (ExAC no frequency). This sequence change creates a premature translational stop signal (p.Thr589Hisfs*8) in the PALB2 gene. It is expected to result in an absent or disrupted protein product.

Literature cited by the submitters: PubMed 17200668; PubMed 24136930; PubMed 25099575.